The following is an entry in ClinVar:

NM_138370.3(PKDCC):c.1102G>A (p.Val368Ile)

Gene: PKDCC (protein kinase domain containing, cytoplasmic; plus strand). Cytogenetic location: 2p21.
Variant type: single nucleotide variant.
Coding change: c.1102G>A on transcript NM_138370.3 (MANE Select); coding-DNA position 1102, G replaced by A.
Protein change: p.Val368Ile; replaces valine 368 with isoleucine.
Molecular consequence: missense variant.
Genome position (GRCh38, 1-based): chr2:42,055,008, G>A. VCF-style: chr2-42055008-G-A. GRCh37 (hg19) VCF-style: chr2-42282148-G-A.
Other names: short protein forms V368I.
Identifiers: ClinVar variation 1511565 (VCV001511565.5), dbSNP rs766534302, ClinGen allele CA1628120.

ClinVar aggregate classification (germline): Uncertain significance (1 of 4 stars; one submission).

Allele frequency attached by ClinVar (database versions not stated): ExAC 0.00001; gnomAD exomes 0.00001; gnomAD 0.00002 and 0.00003; TOPMed 0.00005.
gnomAD v4.1: 8 of 1,613,696 alleles (0.0005%); highest among the groups gnomAD compares: East Asian, 0.0067%; no homozygotes.

Submission:

Labcorp Genetics (formerly Invitae), Labcorp
Classification: Uncertain significance. Last evaluated: 2022-06-20. Review status: criteria provided, single submitter. Criteria: Invitae Variant Classification Sherloc (09022015). Collection method: clinical testing. Allele origin: germline.
Comment: This sequence change replaces valine, which is neutral and non-polar, with isoleucine, which is neutral and non-polar, at codon 368 of the PKDCC protein (p.Val368Ile). This variant is present in population databases (rs766534302, gnomAD 0.01%). This variant has not been reported in the literature in individuals affected with PKDCC-related conditions. Algorithms developed to predict the effect of missense changes on protein structure and function are either unavailable or do not agree on the potential impact of this missense change (SIFT: "Deleterious"; PolyPhen-2: "Benign"; Align-GVGD: "Class C25"). In summary, the available evidence is currently insufficient to determine the role of this variant in disease. Therefore, it has been classified as a Variant of Uncertain Significance.